The following is an entry in ClinVar:

ClinVar aggregate classification (germline): Uncertain significance (1 of 4 stars; one submission).

Conditions:
Episodic ataxia type 2 (EA2). Also called: EPISODIC ATAXIA, NYSTAGMUS-ASSOCIATED; ATAXIA, EPISODIC, WITH NYSTAGMUS; ATAXIA, FAMILIAL PAROXYSMAL; CEREBELLAR ATAXIA, PAROXYSMAL, ACETAZOLAMIDE-RESPONSIVE; CEREBELLOPATHY, HEREDITARY PAROXYSMAL; ACETAZOLAMIDE-RESPONSIVE HEREDITARY PAROXYSMAL CEREBELLAR ATAXIA. Identifiers: Orphanet 97, MedGen C1720416, MONDO:0007163, OMIM 108500.
Developmental and epileptic encephalopathy, 42 (DEE42A). Also called: Epileptic encephalopathy, early infantile, 42; DEVELOPMENTAL AND EPILEPTIC ENCEPHALOPATHY 42A; EPILEPTIC ENCEPHALOPATHY, EARLY INFANTILE, 42A. Identifiers: MedGen C4310716, MONDO:0014917, OMIM 617106.

Submission:

Labcorp Genetics (formerly Invitae), Labcorp
Classification: Uncertain significance for Developmental and epileptic encephalopathy, 42; Episodic ataxia type 2. Last evaluated: 2018-01-16. Review status: criteria provided, single submitter. Criteria: Invitae Variant Classification Sherloc (09022015). Collection method: clinical testing. Allele origin: germline.
Comment: In summary, the available evidence is currently insufficient to determine the role of this variant in disease. Therefore, it has been classified as a Variant of Uncertain Significance. A different missense substitution at this codon (p.Gly638Asp) has been reported in individuals affected with episodic ataxia (PMID: 19232643, 28566750). Algorithms developed to predict the effect of missense changes on protein structure and function (SIFT, PolyPhen-2, Align-GVGD) all suggest that this variant is likely to be disruptive, but these predictions have not been confirmed by published functional studies and their clinical significance is uncertain. This variant has not been reported in the literature in individuals with CACNA1A-related disease. This variant is not present in population databases (ExAC no frequency). This sequence change replaces glycine with valine at codon 638 of the CACNA1A protein (p.Gly638Val). The glycine residue is highly conserved and there is a moderate physicochemical difference between glycine and valine.

Literature cited by the submitters: PubMed 19232643; PubMed 28566750.

NM_001127222.2(CACNA1A):c.1910G>T (p.Gly637Val)

Gene: CACNA1A (calcium voltage-gated channel subunit alpha1 A; minus strand). Cytogenetic location: 19p13.13.
Variant type: single nucleotide variant.
Coding change: c.1910G>T on transcript NM_001127222.2 (MANE Select); coding-DNA position 1910, G replaced by T.
Protein change: p.Gly637Val; replaces glycine 637 with valine.
Molecular consequence: missense variant.
Genome position (GRCh38, 1-based): chr19:13,308,123, C>A on the plus strand (G>T on the coding strand, the complement: CACNA1A is on the minus strand). VCF-style: chr19-13308123-C-A. GRCh37 (hg19) VCF-style: chr19-13418937-C-A.
Other names: c.1913G>T, p.Gly638Val (NM_000068.4, NM_001127221.2, NM_001174080.2 and 1 more transcripts); short protein forms G638V, G637V.
Identifiers: ClinVar variation 542829 (VCV000542829.9), dbSNP rs121908246, ClinGen allele CA404344717.